The following is an entry in ClinVar:

ClinVar aggregate classification (germline): Likely benign. Review status: criteria provided, single submitter (1 of 4 stars). 2 submissions from 2 submitters: Likely benign (1). 1 of the submissions does not count toward it. Last evaluated 2025-07-29.

Conditions:
CYP7B1-related disorder. Also called: CYP7B1-related condition.
Spastic paraplegia. Identifiers: MedGen C0037772, HP:0001258.

gnomAD v4.1: 13 of 1,613,648 alleles (0.00081%); highest among the groups gnomAD compares: East Asian, 0.0067%; no homozygotes.

Submissions (2):

Labcorp Genetics (formerly Invitae), Labcorp
Classification: Likely benign for Spastic paraplegia. Last evaluated: 2025-07-29. Review status: criteria provided, single submitter. Criteria: Invitae Variant Classification Sherloc (09022015). Collection method: clinical testing. Allele origin: germline.

PreventionGenetics, part of Exact Sciences
Classification: Likely benign for CYP7B1-related condition. Last evaluated: 2024-01-03. Review status: no assertion criteria provided. Collection method: clinical testing. Allele origin: germline. Not counted in ClinVar's aggregate classification.
Comment: This variant is classified as likely benign based on ACMG/AMP sequence variant interpretation guidelines (Richards et al. 2015 PMID: 25741868, with internal and published modifications).

NM_004820.5(CYP7B1):c.573C>T (p.Ile191=)

Gene: CYP7B1 (cytochrome P450 family 7 subfamily B member 1; minus strand). Cytogenetic location: 8q12.3.
Variant type: single nucleotide variant.
Coding change: c.573C>T on transcript NM_004820.5 (MANE Select); coding-DNA position 573, C replaced by T.
Protein change: p.Ile191=; no amino-acid change (isoleucine 191 retained).
Molecular consequence: synonymous variant.
Genome position (GRCh38, 1-based): chr8:64,615,968, G>A on the plus strand (C>T on the coding strand, the complement: CYP7B1 is on the minus strand). VCF-style: chr8-64615968-G-A. GRCh37 (hg19) VCF-style: chr8-65528525-G-A.
Other names: c.573C>T, p.Ile191= (NM_001324112.2); c.573C>T (NM_004820.4).
Identifiers: ClinVar variation 2068645 (VCV002068645.6), dbSNP rs1245820259, ClinGen allele CA461420280.